The following is an entry in ClinVar:

NM_001114753.3(ENG):c.1312-1G>C

Genes: ENG (endoglin; minus strand), LOC102723566 (uncharacterized LOC102723566; plus strand). Cytogenetic location: 9q34.11.
Variant type: single nucleotide variant.
Coding change: c.1312-1G>C on transcript NM_001114753.3 (MANE Select); the canonical splice acceptor site of the intron before coding-DNA position 1312, G replaced by C.
Molecular consequence: splice acceptor variant.
Genome position (GRCh38, 1-based): chr9:127,818,833, C>G on the plus strand (G>C on the coding strand, the complement: ENG is on the minus strand). VCF-style: chr9-127818833-C-G. GRCh37 (hg19) VCF-style: chr9-130581112-C-G.
Other names: c.1312-1G>C (NM_000118.4); c.766-1G>C (NM_001278138.2).
Identifiers: ClinVar variation 1488732 (VCV001488732.10), dbSNP rs2131877148, ClinGen allele CA374977960.

ClinVar aggregate classification (germline): Pathogenic/Likely pathogenic. Review status: criteria provided, multiple submitters, no conflicts (2 of 4 stars). 2 submissions from 2 submitters: Pathogenic (1); Likely pathogenic (1). Last evaluated 2026-03-03.

Conditions:
Hereditary hemorrhagic telangiectasia (HHT). Also called: ORW DISEASE; Osler Weber Rendu syndrome; OSLER-RENDU-WEBER DISEASE; Osler hemorrhagic telangiectasia syndrome. Identifiers: Orphanet 774, MedGen C0039445, MONDO:0019180. Disease mechanism: loss of function.
Cardiovascular phenotype. Identifiers: MedGen CN230736.

Submissions (2):

Ambry Genetics
Classification: Pathogenic for Cardiovascular phenotype. Last evaluated: 2026-03-03. Review status: criteria provided, single submitter. Criteria: Ambry Variant Classification Scheme 2023. Collection method: clinical testing. Allele origin: germline.
Comment: The c.1312-1G>C intronic alteration consists of a G to C substitution one nucleotide before Intron 10 of the ENG gene. Variants that disrupt the canonical splice site are expected to result in aberrant splicing. A resulting transcript is predicted to be in-frame and is not expected to trigger nonsense-mediated mRNA decay, although direct evidence is unavailable. This variant was not reported in population-based cohorts in the Genome Aggregation Database (gnomAD). This variant was reported in individual(s) with features consistent with ENG-related hereditary hemorrhagic telangiectasia (Ambry internal data). This nucleotide position is highly conserved in available vertebrate species. In silico splice site analysis predicts that this alteration will weaken the native splice acceptor site and will result in the creation or strengthening of a novel splice acceptor site. Based on the available evidence, this alteration is classified as pathogenic.

Labcorp Genetics (formerly Invitae), Labcorp
Classification: Likely pathogenic for Hereditary hemorrhagic telangiectasia. Last evaluated: 2023-02-10. Review status: criteria provided, single submitter. Criteria: Invitae Variant Classification Sherloc (09022015). Collection method: clinical testing. Allele origin: germline.
Comment: In summary, the currently available evidence indicates that the variant is pathogenic, but additional data are needed to prove that conclusively. Therefore, this variant has been classified as Likely Pathogenic. This sequence change affects an acceptor splice site in intron 10 of the ENG gene. It is expected to disrupt RNA splicing. Variants that disrupt the donor or acceptor splice site typically lead to a loss of protein function (PMID: 16199547), and loss-of-function variants in ENG are known to be pathogenic (PMID: 15879500). This variant is not present in population databases (gnomAD no frequency). Disruption of this splice site has been observed in individual(s) with clinical features of hereditary hemorrhagic telangiectasia (Invitae). ClinVar contains an entry for this variant (Variation ID: 1488732). Algorithms developed to predict the effect of sequence changes on RNA splicing suggest that this variant may disrupt the consensus splice site.

Literature cited by the submitters: PubMed 16199547 (cited by Labcorp Genetics (formerly Invitae), Labcorp); PubMed 15879500 (cited by Labcorp Genetics (formerly Invitae), Labcorp).